The following is an entry in ClinVar:

NM_153460.4(IL17RC):c.511G>A (p.Val171Ile)

Gene: IL17RC (interleukin 17 receptor C; plus strand). Cytogenetic location: 3p25.3.
Variant type: single nucleotide variant.
Coding change: c.511G>A on transcript NM_153460.4 (MANE Select); coding-DNA position 511, G replaced by A.
Protein change: p.Val171Ile; replaces valine 171 with isoleucine.
Molecular consequence: missense variant. On other transcripts: non-coding transcript variant (1).
Genome position (GRCh38, 1-based): chr3:9,920,536, G>A. VCF-style: chr3-9920536-G-A. GRCh37 (hg19) VCF-style: chr3-9962220-G-A.
Other names: c.511G>A, p.Val171Ile (NM_001203263.2, NM_001203264.2, NM_001203265.2 and 4 more transcripts); c.436G>A, p.Val146Ile (NM_001367279.1); c.724G>A, p.Val242Ile (NM_153461.4); short protein forms V146I, V171I, V242I.
Identifiers: ClinVar variation 2869308 (VCV002869308.3), dbSNP rs2470141527, ClinGen allele CA351757007.

ClinVar aggregate classification (germline): Uncertain significance (1 of 4 stars; one submission).

Conditions:
Candidiasis, familial, 9 (CANDF9). Identifiers: Orphanet 1334, MedGen C4225324, MONDO:0014642, OMIM 616445.

Submission:

Labcorp Genetics (formerly Invitae), Labcorp
Classification: Uncertain significance for Candidiasis, familial, 9. Last evaluated: 2023-06-01. Review status: criteria provided, single submitter. Criteria: Invitae Variant Classification Sherloc (09022015). Collection method: clinical testing. Allele origin: germline.
Comment: In summary, the available evidence is currently insufficient to determine the role of this variant in disease. Therefore, it has been classified as a Variant of Uncertain Significance. An algorithm developed to predict the effect of missense changes on protein structure and function (PolyPhen-2) suggests that this variant is likely to be disruptive. This variant has not been reported in the literature in individuals affected with IL17RC-related conditions. This variant is not present in population databases (gnomAD no frequency). This sequence change replaces valine, which is neutral and non-polar, with isoleucine, which is neutral and non-polar, at codon 242 of the IL17RC protein (p.Val242Ile).